The following is an entry in ClinVar:

NM_000019.4(ACAT1):c.765A>T (p.Glu255Asp)

Gene: ACAT1 (acetyl-CoA acetyltransferase 1; plus strand). Cytogenetic location: 11q22.3.
Variant type: single nucleotide variant.
Coding change: c.765A>T on transcript NM_000019.4 (MANE Select); coding-DNA position 765, A replaced by T.
Protein change: p.Glu255Asp; replaces glutamic acid 255 with aspartic acid.
Molecular consequence: missense variant.
Genome position (GRCh38, 1-based): chr11:108,141,639, A>T. VCF-style: chr11-108141639-A-T. GRCh37 (hg19) VCF-style: chr11-108012366-A-T.
Other names: c.765A>T, p.Glu255Asp (LRG_1400t1); short protein forms E255D.
Identifiers: ClinVar variation 198684 (VCV000198684.11), dbSNP rs794727893, ClinGen allele CA275415.

ClinVar aggregate classification (germline): Uncertain significance. Review status: criteria provided, multiple submitters, no conflicts (2 of 4 stars). 3 submissions from 3 submitters: Uncertain significance (3). Last evaluated 2023-04-26.

Conditions:
Deficiency of acetyl-CoA acetyltransferase. Also called: 3-KETOTHIOLASE DEFICIENCY; 3-OXOTHIOLASE DEFICIENCY; MITOCHONDRIAL ACETOACETYL-CoA THIOLASE DEFICIENCY; Beta-ketothiolase deficiency. Identifiers: Orphanet 134, MedGen C1536500, MONDO:0008760, OMIM 203750. Disease mechanism: loss of function.

Allele frequency attached by ClinVar (database versions not stated): gnomAD exomes below 0.00001 and 0.00003; gnomAD 0.00002; TOPMed 0.00002.
gnomAD v4.1: 42 of 1,613,436 alleles (0.0026%); highest among the groups gnomAD compares: Non-Finnish European, 0.0034%; no homozygotes.

Submissions (3):

Women's Health and Genetics/Laboratory Corporation of America, LabCorp
Classification: Uncertain significance. Last evaluated: 2023-04-26. Review status: criteria provided, single submitter. Criteria: LabCorp Variant Classification Summary - May 2015. Collection method: clinical testing. Allele origin: germline.
Comment: Variant summary: ACAT1 c.765A>T (p.Glu255Asp) results in a conservative amino acid change located in the Thiolase, N-terminal domain (IPR020616) of the encoded protein sequence. Three of five in-silico tools predict a damaging effect of the variant on protein function. The variant allele was found at a frequency of 4e-06 in 250938 control chromosomes (gnomAD). The available data on variant occurrences in the general population are insufficient to allow any conclusion about variant significance. c.765A>T has been reported in the literature in at least one compound heterozygous individual affected with Mitochondrial Acetoacetyl-CoA Thiolase Deficiency (Paquay_2017). These data do not allow any conclusion about variant significance. To our knowledge, no experimental evidence demonstrating an impact on protein function has been reported. The following publication has been ascertained in the context of this evaluation (PMID: 28255778). One ClinVar submitter has assessed the variant since 2014: the variant was classified as uncertain significance. Based on the evidence outlined above, the variant was classified as uncertain significance.

Department of Pediatrics, Gifu University
Classification: Uncertain significance for Deficiency of acetyl-CoA acetyltransferase. Last evaluated: 2019-05-05. Review status: criteria provided, single submitter. Criteria: ACMG Guidelines, 2015. Collection method: literature only. Allele origin: germline. Affected: yes. Observed: 1 variant allele.

Eurofins Ntd Llc (ga)
Classification: Uncertain significance. Last evaluated: 2014-09-22. Review status: criteria provided, single submitter. Criteria: EGL Classification Definitions 2015. Collection method: clinical testing. Allele origin: germline. Observed: 5 variant alleles, 5 heterozygotes.

Literature cited by the submitters: PubMed 28255778 (cited by Women's Health and Genetics/Laboratory Corporation of America, LabCorp); PubMed 31268215 (cited by Department of Pediatrics, Gifu University).